The following is an entry in ClinVar:

ClinVar aggregate classification (germline): Likely pathogenic (1 of 4 stars; one submission).

Conditions:
Severe X-linked myotubular myopathy (CNMX). Also called: MYOTUBULAR MYOPATHY 1; X-linked centronuclear myopathy; Myotubular myopathy, X-linked. Identifiers: Orphanet 596, MedGen C0410203, MONDO:0010683, OMIM 310400.

Submission:

Labcorp Genetics (formerly Invitae), Labcorp
Classification: Likely pathogenic for Severe X-linked myotubular myopathy. Last evaluated: 2023-03-23. Review status: criteria provided, single submitter. Criteria: Invitae Variant Classification Sherloc (09022015). Collection method: clinical testing. Allele origin: germline.
Comment: This variant is not present in population databases (gnomAD no frequency). This sequence change replaces glutamic acid, which is acidic and polar, with aspartic acid, which is acidic and polar, at codon 404 of the MTM1 protein (p.Glu404Asp). This missense change has been observed in individual(s) with clinical features of centronuclear myopathy (Invitae). ClinVar contains an entry for this variant (Variation ID: 841786). Advanced modeling of protein sequence and biophysical properties (such as structural, functional, and spatial information, amino acid conservation, physicochemical variation, residue mobility, and thermodynamic stability) performed at Invitae indicates that this missense variant is expected to disrupt MTM1 protein function. This variant disrupts the p.Glu404 amino acid residue in MTM1. Other variant(s) that disrupt this residue have been determined to be pathogenic (PMID: 9285787, 12118066, 17005396, 19084976, 25957634). This suggests that this residue is clinically significant, and that variants that disrupt this residue are likely to be disease-causing. In summary, the currently available evidence indicates that the variant is pathogenic, but additional data are needed to prove that conclusively. Therefore, this variant has been classified as Likely Pathogenic.

Literature cited by the submitters: PubMed 9285787; PubMed 12118066; PubMed 17005396; PubMed 19084976; PubMed 25957634.

NM_000252.3(MTM1):c.1212A>C (p.Glu404Asp)

Gene: MTM1 (myotubularin 1; plus strand). Cytogenetic location: Xq28.
Variant type: single nucleotide variant.
Coding change: c.1212A>C on transcript NM_000252.3 (MANE Select); coding-DNA position 1212, A replaced by C.
Protein change: p.Glu404Asp; replaces glutamic acid 404 with aspartic acid.
Molecular consequence: missense variant.
Genome position (GRCh38, 1-based): chrX:150,657,979, A>C. VCF-style: chrX-150657979-A-C. GRCh37 (hg19) VCF-style: chrX-149826452-A-C.
Other names: c.1212A>C, p.Glu404Asp (NM_001376906.1, NM_001376908.1); c.1101A>C, p.Glu367Asp (NM_001376907.1); short protein forms E367D, E404D.
Identifiers: ClinVar variation 841786 (VCV000841786.8), dbSNP rs2040152678, ClinGen allele CA415258782.